The following is an entry in ClinVar:

ClinVar aggregate classification (germline): Pathogenic (1 of 4 stars; one submission).

Conditions:
Glanzmann thrombasthenia. Also called: BLEEDING DISORDER, PLATELET-TYPE, 2; THROMBASTHENIA OF GLANZMANN AND NAEGELI; Thrombasthenia; PLATELET GLYCOPROTEIN IIb-IIIa DEFICIENCY; Glanzmann's thrombasthenia. Identifiers: Orphanet 849, MedGen C0040015, MONDO:0100326.

Allele frequency attached by ClinVar (database versions not stated): TOPMed 0.00001.

Submission:

Labcorp Genetics (formerly Invitae), Labcorp
Classification: Pathogenic for Glanzmann thrombasthenia. Last evaluated: 2022-05-07. Review status: criteria provided, single submitter. Criteria: Invitae Variant Classification Sherloc (09022015). Collection method: clinical testing. Allele origin: germline.
Comment: For these reasons, this variant has been classified as Pathogenic. This variant has not been reported in the literature in individuals affected with ITGA2B-related conditions. This variant is not present in population databases (gnomAD no frequency). This sequence change creates a premature translational stop signal (p.Tyr174*) in the ITGA2B gene. It is expected to result in an absent or disrupted protein product. Loss-of-function variants in ITGA2B are known to be pathogenic (PMID: 21917754).

Literature cited by the submitters: PubMed 21917754.

NM_000419.5(ITGA2B):c.522C>A (p.Tyr174Ter)

Gene: ITGA2B (integrin subunit alpha 2b; minus strand). Cytogenetic location: 17q21.31.
Variant type: single nucleotide variant.
Coding change: c.522C>A on transcript NM_000419.5 (MANE Select); coding-DNA position 522, C replaced by A.
Protein change: p.Tyr174Ter; replaces tyrosine 174 with a stop codon.
Molecular consequence: nonsense.
Genome position (GRCh38, 1-based): chr17:44,385,603, G>T on the plus strand (C>A on the coding strand, the complement: ITGA2B is on the minus strand). VCF-style: chr17-44385603-G-T. GRCh37 (hg19) VCF-style: chr17-42462971-G-T.
Other names: short protein forms Y174*.
Identifiers: ClinVar variation 1966635 (VCV001966635.5), dbSNP rs2048640591, ClinGen allele CA399805800.